The following is an entry in ClinVar:

NM_001084.5(PLOD3):c.1394A>G (p.Tyr465Cys)

Gene: PLOD3 (procollagen-lysine,2-oxoglutarate 5-dioxygenase 3; minus strand). Cytogenetic location: 7q22.1.
Variant type: single nucleotide variant.
Coding change: c.1394A>G on transcript NM_001084.5 (MANE Select); coding-DNA position 1394, A replaced by G.
Protein change: p.Tyr465Cys; replaces tyrosine 465 with cysteine.
Molecular consequence: missense variant.
Genome position (GRCh38, 1-based): chr7:101,210,638, T>C on the plus strand (A>G on the coding strand, the complement: PLOD3 is on the minus strand). VCF-style: chr7-101210638-T-C. GRCh37 (hg19) VCF-style: chr7-100853919-T-C.
Other names: short protein forms Y465C.
Identifiers: ClinVar variation 1361663 (VCV001361663.3), dbSNP rs201711445, ClinGen allele CA4407687.

ClinVar aggregate classification (germline): Uncertain significance (1 of 4 stars; one submission).

Allele frequency attached by ClinVar (database versions not stated): 1000 Genomes Project 30x 0.00016; TOPMed 0.00001; 1000 Genomes Project 0.00020.
gnomAD v4.1: 34 of 1,614,124 alleles (0.0021%); highest among the groups gnomAD compares: East Asian, 0.027%; no homozygotes.

Submission:

Labcorp Genetics (formerly Invitae), Labcorp
Classification: Uncertain significance. Last evaluated: 2022-08-23. Review status: criteria provided, single submitter. Criteria: Invitae Variant Classification Sherloc (09022015). Collection method: clinical testing. Allele origin: germline.
Comment: This sequence change replaces tyrosine, which is neutral and polar, with cysteine, which is neutral and slightly polar, at codon 465 of the PLOD3 protein (p.Tyr465Cys). This variant is present in population databases (rs201711445, gnomAD 0.04%). This variant has not been reported in the literature in individuals affected with PLOD3-related conditions. ClinVar contains an entry for this variant (Variation ID: 1361663). Algorithms developed to predict the effect of missense changes on protein structure and function (SIFT, PolyPhen-2, Align-GVGD) all suggest that this variant is likely to be disruptive. In summary, the available evidence is currently insufficient to determine the role of this variant in disease. Therefore, it has been classified as a Variant of Uncertain Significance.